The following is an entry in ClinVar:

ClinVar aggregate classification (germline): Uncertain significance. Review status: criteria provided, multiple submitters, no conflicts (2 of 4 stars). 2 submissions from 2 submitters: Uncertain significance (2). Last evaluated 2025-07-30.

Conditions:
Brugada syndrome. Also called: Sudden unexpected nocturnal death syndrome; Sudden Unexplained Death Syndrome; Sudden Unexplained Nocturnal Death Syndrome (SUNDS); Sudden unexplained nocturnal death syndrome. Identifiers: Orphanet 130, MedGen C1142166, MONDO:0015263.

Allele frequency attached by ClinVar (database versions not stated): gnomAD exomes below 0.00001; gnomAD 0.00001; TOPMed 0.00001.
gnomAD v4.1: 7 of 1,612,894 alleles (0.00043%); highest among the groups gnomAD compares: African/African-American, 0.0093%; no homozygotes.

Submissions (2):

Ambry Genetics
Classification: Uncertain significance. Last evaluated: 2025-07-30. Review status: criteria provided, single submitter. Criteria: Ambry Variant Classification Scheme 2023. Collection method: clinical testing. Allele origin: germline.
Comment: The p.G386S variant (also known as c.1156G>A), located in coding exon 11 of the SLMAP gene, results from a G to A substitution at nucleotide position 1156. The glycine at codon 386 is replaced by serine, an amino acid with similar properties. This amino acid position is conserved. In addition, this alteration is predicted to be tolerated by in silico analysis. Based on the available evidence, the clinical significance of this variant remains unclear.

Labcorp Genetics (formerly Invitae), Labcorp
Classification: Uncertain significance for Brugada syndrome. Last evaluated: 2022-12-05. Review status: criteria provided, single submitter. Criteria: Invitae Variant Classification Sherloc (09022015). Collection method: clinical testing. Allele origin: germline.
Comment: Algorithms developed to predict the effect of sequence changes on RNA splicing suggest that this variant may disrupt the consensus splice site. In summary, the available evidence is currently insufficient to determine the role of this variant in disease. Therefore, it has been classified as a Variant of Uncertain Significance. Algorithms developed to predict the effect of missense changes on protein structure and function (SIFT, PolyPhen-2, Align-GVGD) all suggest that this variant is likely to be tolerated. This variant has not been reported in the literature in individuals affected with SLMAP-related conditions. This variant is present in population databases (no rsID available, gnomAD 0.008%). This sequence change replaces glycine, which is neutral and non-polar, with serine, which is neutral and polar, at codon 386 of the SLMAP protein (p.Gly386Ser).

NM_001377540.1(SLMAP):c.1258G>A (p.Gly420Ser)

Gene: SLMAP (sarcolemma associated protein; plus strand). Cytogenetic location: 3p14.3.
Variant type: single nucleotide variant.
Coding change: c.1258G>A on transcript NM_001377540.1 (MANE Select); coding-DNA position 1258, G replaced by A.
Protein change: p.Gly420Ser; replaces glycine 420 with serine.
Molecular consequence: missense variant. On other transcripts: non-coding transcript variant (1), intron variant (9).
Genome position (GRCh38, 1-based): chr3:57,871,656, G>A. VCF-style: chr3-57871656-G-A. GRCh37 (hg19) VCF-style: chr3-57857383-G-A.
Other names: c.1156G>A (NM_007159.2); c.1207G>A, p.Gly403Ser (NM_001304420.3, NM_001377541.1, NM_001377542.1 and 2 more transcripts); c.1258G>A, p.Gly420Ser (NM_001377538.1, NM_001377539.1, NM_001377555.1); c.1156G>A, p.Gly386Ser (NM_001377549.1, NM_001377923.1, NM_007159.5); c.1237+6364G>A (NM_001377545.1, NM_001377922.1); c.1186+6799G>A (NM_001377552.1, NM_001377551.1, NM_001377924.1); c.1135+6940G>A (NM_001377559.1, NM_001377557.1, NM_001377925.1 and 1 more transcripts); short protein forms G403S, G420S, G386S.
Identifiers: ClinVar variation 2142641 (VCV002142641.5), dbSNP rs1006580058, ClinGen allele CA75408633.